The following is an entry in ClinVar:

ClinVar aggregate classification (germline): Uncertain significance (1 of 4 stars; one submission).

Conditions:
Familial cancer of breast. Also called: hereditary breast carcinoma; BREAST CANCER, FAMILIAL; Hereditary breast cancer. Identifiers: Orphanet 227535, MedGen C0346153, MONDO:0016419, OMIM 114480. Disease mechanism: loss of function.

Submission:

Labcorp Genetics (formerly Invitae), Labcorp
Classification: Uncertain significance for Familial cancer of breast. Last evaluated: 2025-06-29. Review status: criteria provided, single submitter. Criteria: Invitae Variant Classification Sherloc (09022015). Collection method: clinical testing. Allele origin: germline.
Comment: This sequence change replaces arginine, which is basic and polar, with threonine, which is neutral and polar, at codon 160 of the PALB2 protein (p.Arg160Thr). This variant is not present in population databases (gnomAD no frequency). This variant has not been reported in the literature in individuals affected with PALB2-related conditions. An algorithm developed to predict the effect of missense changes on protein structure and function (PolyPhen-2) suggests that this variant is likely to be disruptive. In summary, the available evidence is currently insufficient to determine the role of this variant in disease. Therefore, it has been classified as a Variant of Uncertain Significance.

NM_024675.4(PALB2):c.479G>C (p.Arg160Thr)

Gene: PALB2 (partner and localizer of BRCA2; minus strand). Cytogenetic location: 16p12.2.
Variant type: single nucleotide variant.
Coding change: c.479G>C on transcript NM_024675.4 (MANE Select); coding-DNA position 479, G replaced by C.
Protein change: p.Arg160Thr; replaces arginine 160 with threonine.
Molecular consequence: missense variant. On other transcripts: 5 prime UTR variant (8), intron variant (3).
Genome position (GRCh38, 1-based): chr16:23,636,067, C>G on the plus strand (G>C on the coding strand, the complement: PALB2 is on the minus strand). VCF-style: chr16-23636067-C-G. GRCh37 (hg19) VCF-style: chr16-23647388-C-G.
Other names: c.419G>C, p.Arg140Thr (NM_001407296.1); c.479G>C, p.Arg160Thr (NM_001407297.1, NM_001407298.1, NM_001407299.1 and 3 more transcripts); c.-407G>C (NM_001407304.1, NM_001407305.1, NM_001407306.1 and 5 more transcripts); c.48+5043G>C (NM_001407314.1); c.-105+5043G>C (NM_001407313.1, NM_001407312.1); short protein forms R160T, R140T.
Identifiers: ClinVar variation 4722279 (VCV004722279.1).
Genomic context (GRCh38, chr16:23,636,067, plus strand): 5'-TCCTGTTCCTTTAGTCTTTTCCCAGACAATCTGAGTGAATCAGTGCCAAAGACACAGTCT[C>G]TCTCCTGTGAAATAAATGTCCTCTTCTGCTGCTTCTTTCTTCTGCTTGGCAGCTTCTGCT-3'
Protein context (NP_078951.2, residues 150-170): QQKRTFISQE[Arg160Thr]DCVFGTDSLR